The following is an entry in ClinVar:

ClinVar aggregate classification (germline): Uncertain significance. Review status: criteria provided, multiple submitters, no conflicts (2 of 4 stars). 2 submissions from 2 submitters: Uncertain significance (2). Last evaluated 2023-05-29.

Conditions:
Galactosylceramide beta-galactosidase deficiency. Also called: Krabbe Disease; GALACTOCEREBROSIDASE DEFICIENCY; GALC DEFICIENCY; GLOBOID CELL LEUKOENCEPHALOPATHY; Leukodystrophy, Globoid Cell. Identifiers: Orphanet 487, MedGen C0023521, MONDO:0009499, OMIM 245200.

Submissions (2):

Revvity Omics, Revvity
Classification: Uncertain significance. Last evaluated: 2023-05-29. Review status: criteria provided, single submitter. Criteria: ACMG Guidelines, 2015. Collection method: clinical testing. Allele origin: germline.

Labcorp Genetics (formerly Invitae), Labcorp
Classification: Uncertain significance for Galactosylceramide beta-galactosidase deficiency. Last evaluated: 2022-09-27. Review status: criteria provided, single submitter. Criteria: Invitae Variant Classification Sherloc (09022015). Collection method: clinical testing. Allele origin: germline.
Comment: This variant, c.401_403del, results in the deletion of 1 amino acid(s) of the GALC protein (p.Met134del), but otherwise preserves the integrity of the reading frame. In summary, the available evidence is currently insufficient to determine the role of this variant in disease. Therefore, it has been classified as a Variant of Uncertain Significance. ClinVar contains an entry for this variant (Variation ID: 859632). This variant has not been reported in the literature in individuals affected with GALC-related conditions. This variant is not present in population databases (gnomAD no frequency).

NM_000153.4(GALC):c.398TGA[1] (p.Met134del)

Gene: GALC (galactosylceramidase; minus strand). Cytogenetic location: 14q31.3.
Variant type: Microsatellite.
Coding change: c.398TGA[1] on transcript NM_000153.4 (MANE Select); one copy of the 3-base unit TGA starting at c.398; the reference has two copies in a row; one copy, 3 bases deleted; also written c.401_403del.
Protein change: p.Met134del; deletes methionine 134.
Molecular consequence: inframe deletion.
Genome position (GRCh38, 1-based): chr14:87,986,528-87,986,530, TCA deleted on the plus strand (TGA on the coding strand, the reverse complement: GALC is on the minus strand); deleting any 3 consecutive bases within chr14:87,986,528-87,986,533 gives the same sequence; the position shown is the placement nearest the transcript's 3' end. VCF-style (leftmost placement, unchanged base first): chr14-87986527-TTCA-T. GRCh37 (hg19) VCF-style: chr14-88452871-TTCA-T.
Other names: c.401_403del (NM_000153.4); c.329TGA[1], p.Met111del (NM_001201401.2); c.320TGA[1], p.Met108del (NM_001201402.2); short protein forms M108del, M111del, M134del.
Identifiers: ClinVar variation 859632 (VCV000859632.12), dbSNP rs1886979623, ClinGen allele CA916083391.